The following is an entry in ClinVar:

NM_001567.4(INPPL1):c.3142C>G (p.Leu1048Val)

Gene: INPPL1 (inositol polyphosphate phosphatase like 1; plus strand). Cytogenetic location: 11q13.4.
Variant type: single nucleotide variant.
Coding change: c.3142C>G on transcript NM_001567.4 (MANE Select); coding-DNA position 3142, C replaced by G.
Protein change: p.Leu1048Val; replaces leucine 1048 with valine.
Molecular consequence: missense variant.
Genome position (GRCh38, 1-based): chr11:72,237,386, C>G. VCF-style: chr11-72237386-C-G. GRCh37 (hg19) VCF-style: chr11-71948430-C-G.
Other names: short protein forms L1048V.
Identifiers: ClinVar variation 1442717 (VCV001442717.6), dbSNP rs1436742536, ClinGen allele CA381737908.

ClinVar aggregate classification (germline): Uncertain significance (1 of 4 stars; one submission).

Allele frequency attached by ClinVar (database versions not stated): gnomAD exomes below 0.00001; TOPMed below 0.00001; gnomAD 0.00001.

Submission:

Labcorp Genetics (formerly Invitae), Labcorp
Classification: Uncertain significance. Last evaluated: 2024-11-18. Review status: criteria provided, single submitter. Criteria: Invitae Variant Classification Sherloc (09022015). Collection method: clinical testing. Allele origin: germline.
Comment: This sequence change replaces leucine, which is neutral and non-polar, with valine, which is neutral and non-polar, at codon 1048 of the INPPL1 protein (p.Leu1048Val). This variant is not present in population databases (gnomAD no frequency). This variant has not been reported in the literature in individuals affected with INPPL1-related conditions. ClinVar contains an entry for this variant (Variation ID: 1442717). An algorithm developed to predict the effect of missense changes on protein structure and function (PolyPhen-2) suggests that this variant is likely to be tolerated. In summary, the available evidence is currently insufficient to determine the role of this variant in disease. Therefore, it has been classified as a Variant of Uncertain Significance.